The following is an entry in ClinVar:

NM_005045.4(RELN):c.10294A>C (p.Lys3432Gln)

Genes: RELN (reelin; minus strand), SLC26A5-AS1 (SLC26A5 antisense RNA 1; plus strand). Cytogenetic location: 7q22.1.
Variant type: single nucleotide variant.
Coding change: c.10294A>C on transcript NM_005045.4 (MANE Select); coding-DNA position 10294, A replaced by C.
Protein change: p.Lys3432Gln; replaces lysine 3432 with glutamine.
Molecular consequence: missense variant.
Genome position (GRCh38, 1-based): chr7:103,472,901, T>G on the plus strand (A>C on the coding strand, the complement: RELN is on the minus strand). VCF-style: chr7-103472901-T-G. GRCh37 (hg19) VCF-style: chr7-103113348-T-G.
Other names: c.10288A>C, p.Lys3430Gln (NM_173054.3); short protein forms K3430Q, K3432Q.
Identifiers: ClinVar variation 4852668 (VCV004852668.2).

ClinVar aggregate classification (germline): Uncertain significance (1 of 4 stars; one submission).

Submission:

Dasa
Classification: Uncertain significance. Last evaluated: 2025-04-28. Review status: criteria provided, single submitter. Criteria: DASA Assertion Criteria. Collection method: clinical testing. Allele origin: germline.
Comment: NM_005045.4(RELN):c.10294A>C (p.Lys3432Gln) is a missense variant that results in the substitution of lysine with glutamine. This variant is absent from population databases. The currently available literature and clinical evidence are not sufficient to establish a definitive association between this variant and the reported condition. Therefore, this variant is classified as a variant of uncertain significance.